The following is an entry in ClinVar:

ClinVar aggregate classification (germline): Uncertain significance. Review status: criteria provided, multiple submitters, no conflicts (2 of 4 stars). 4 submissions from 4 submitters: Uncertain significance (2). 2 of the submissions do not count toward it. Last evaluated 2026-02-01.

Conditions:
Charcot-Marie-Tooth disease axonal type 2O. Also called: CHARCOT-MARIE-TOOTH NEUROPATHY, AXONAL, TYPE 2O; CHARCOT-MARIE-TOOTH DISEASE, AXONAL, AUTOSOMAL DOMINANT, TYPE 2O; Charcot-Marie-Tooth disease, axonal, type 20; Charcot-Marie-Tooth Neuropathy Type 2O. Identifiers: Orphanet 284232, MedGen C3280220, MONDO:0013644, OMIM 614228.

Allele frequency attached by ClinVar (database versions not stated): ExAC 0.00002; gnomAD exomes 0.00002 and 0.00004; TOPMed 0.00002; ESP Exome Variant Server 0.00008; gnomAD 0.00003.
gnomAD v4.1: 32 of 1,613,878 alleles (0.002%); highest among the groups gnomAD compares: Non-Finnish European, 0.002%; no homozygotes.

Submissions (4):

Labcorp Genetics (formerly Invitae), Labcorp
Classification: Uncertain significance for Charcot-Marie-Tooth disease axonal type 2O. Last evaluated: 2026-02-01. Review status: criteria provided, single submitter. Criteria: Invitae Variant Classification Sherloc (09022015). Collection method: clinical testing. Allele origin: germline.
Comment: This sequence change replaces aspartic acid, which is acidic and polar, with asparagine, which is neutral and polar, at codon 2255 of the DYNC1H1 protein (p.Asp2255Asn). This variant is present in population databases (rs376274132, gnomAD 0.02%). This missense change has been observed in individual(s) with clinical features of a neuromuscular condition (PMID: 31127727). ClinVar contains an entry for this variant (Variation ID: 539784). Invitae Evidence Modeling of protein sequence and biophysical properties (such as structural, functional, and spatial information, amino acid conservation, physicochemical variation, residue mobility, and thermodynamic stability) has been performed for this missense variant. However, the output from this modeling did not meet the statistical confidence thresholds required to predict the impact of this variant on DYNC1H1 protein function. In summary, the available evidence is currently insufficient to determine the role of this variant in disease. Therefore, it has been classified as a Variant of Uncertain Significance.

GeneDx
Classification: Uncertain significance. Last evaluated: 2024-12-20. Review status: criteria provided, single submitter. Criteria: GeneDx Variant Classification Process June 2021. Collection method: clinical testing. Allele origin: germline.
Comment: Reported in a patient with muscle weakness, exercise intolerance, and myalgia; however, the variant was inherited from the patient's unaffected father (PMID: 31127727); In silico analysis supports that this missense variant has a deleterious effect on protein structure/function; This variant is associated with the following publications: (PMID: 25512093, 25609763, 26100331, 31127727)

Clinical Genetics, Academic Medical Center
Classification: Uncertain significance. Review status: no assertion criteria provided. Collection method: clinical testing. Allele origin: germline. Affected: yes. Study: VKGL Data-share Consensus. Not counted in ClinVar's aggregate classification.

Joint Genome Diagnostic Labs from Nijmegen and Maastricht, Radboudumc and MUMC+
Classification: Uncertain significance. Review status: no assertion criteria provided. Collection method: clinical testing. Allele origin: germline. Affected: yes. Study: VKGL Data-share Consensus. Not counted in ClinVar's aggregate classification.

Literature cited by the submitters: PubMed 31127727 (cited by Labcorp Genetics (formerly Invitae), Labcorp).

NM_001376.5(DYNC1H1):c.6763G>A (p.Asp2255Asn)

Gene: DYNC1H1 (dynein cytoplasmic 1 heavy chain 1; plus strand). Cytogenetic location: 14q32.31.
Variant type: single nucleotide variant.
Coding change: c.6763G>A on transcript NM_001376.5 (MANE Select); coding-DNA position 6763, G replaced by A.
Protein change: p.Asp2255Asn; replaces aspartic acid 2255 with asparagine.
Molecular consequence: missense variant.
Genome position (GRCh38, 1-based): chr14:102,012,019, G>A. VCF-style: chr14-102012019-G-A. GRCh37 (hg19) VCF-style: chr14-102478356-G-A.
Other names: short protein forms D2255N.
Identifiers: ClinVar variation 539784 (VCV000539784.12), dbSNP rs376274132, ClinGen allele CA7352674.
Genomic context (GRCh38, chr14:102,012,019, plus strand): 5'-CGTGTCCTGCTGAAGGCATTGGAGAGACTCGAGGGTGTGGAAGGTGTGGCCCATATCATC[G>A]ACCCCAAGGCCATCAGCAAAGACCACCTCTACGGAACCCTGGACCCCAACACCAGGGAAT-3'
Protein context (NP_001367.2, residues 2245-2265): EGVEGVAHII[Asp2255Asn]PKAISKDHLY